The following is an entry in ClinVar:

NM_152783.5(D2HGDH):c.1242C>T (p.Ile414=)

Gene: D2HGDH (D-2-hydroxyglutarate dehydrogenase; plus strand). Cytogenetic location: 2q37.3.
Variant type: single nucleotide variant.
Coding change: c.1242C>T on transcript NM_152783.5 (MANE Select); coding-DNA position 1242, C replaced by T.
Protein change: p.Ile414=; no amino-acid change (isoleucine 414 retained).
Molecular consequence: synonymous variant. On other transcripts: non-coding transcript variant (1).
Genome position (GRCh38, 1-based): chr2:241,755,950, C>T. VCF-style: chr2-241755950-C-T. GRCh37 (hg19) VCF-style: chr2-242695365-C-T.
Other names: c.840C>T, p.Ile280= (NM_001287249.2); c.681C>T, p.Ile227= (NM_001352824.2).
Identifiers: ClinVar variation 434889 (VCV000434889.17), dbSNP rs758849873, ClinGen allele CA2222130.

ClinVar aggregate classification (germline): Likely benign. Review status: criteria provided, multiple submitters, no conflicts (2 of 4 stars). 4 submissions from 4 submitters: Likely benign (3). 1 of the submissions does not count toward it. Last evaluated 2024-10-15.

Conditions:
D2HGDH-related disorder. Also called: D2HGDH-related condition.
D-2-hydroxyglutaric aciduria 1 (D2HGA1). Identifiers: Orphanet 79315, MedGen C3152055, MONDO:0024554, OMIM 600721.

Allele frequency attached by ClinVar (database versions not stated): ExAC 0.00002; gnomAD exomes 0.00004; gnomAD 0.00007 and 0.00008; TOPMed 0.00011.
gnomAD v4.1: 40 of 1,608,918 alleles (0.0025%); highest among the groups gnomAD compares: African/African-American, 0.023%; no homozygotes.

Submissions (4):

Labcorp Genetics (formerly Invitae), Labcorp
Classification: Likely benign for D-2-hydroxyglutaric aciduria 1. Last evaluated: 2024-10-15. Review status: criteria provided, single submitter. Criteria: Invitae Variant Classification Sherloc (09022015). Collection method: clinical testing. Allele origin: germline.

Blueprint Genetics
Classification: Likely benign. Last evaluated: 2024-01-16. Review status: criteria provided, single submitter. Criteria: ACMG Guidelines, 2015. Collection method: clinical testing. Allele origin: germline.

Genetic Services Laboratory, University of Chicago
Classification: Likely benign. Last evaluated: 2016-12-18. Review status: criteria provided, single submitter. Criteria: ACMG Guidelines, 2015. Collection method: clinical testing. Allele origin: germline. Affected: no.

PreventionGenetics, part of Exact Sciences
Classification: Likely benign for D2HGDH-related condition. Last evaluated: 2020-01-02. Review status: no assertion criteria provided. Collection method: clinical testing. Allele origin: germline. Not counted in ClinVar's aggregate classification.
Comment: This variant is classified as likely benign based on ACMG/AMP sequence variant interpretation guidelines (Richards et al. 2015 PMID: 25741868, with internal and published modifications).